The following is an entry in ClinVar:

ClinVar aggregate classification (germline): Uncertain significance. Review status: criteria provided, multiple submitters, no conflicts (2 of 4 stars). 3 submissions from 3 submitters: Uncertain significance (3). Last evaluated 2024-04-24.

Conditions:
SMARCA4-related disorder. Also called: SMARCA4-related condition.
Hereditary cancer-predisposing syndrome. Also called: Hereditary Cancer Syndrome; Hereditary neoplastic syndrome; Neoplastic Syndromes, Hereditary; Tumor predisposition. Identifiers: Orphanet 140162, MedGen C0027672, MeSH D009386, MONDO:0015356.
Rhabdoid tumor predisposition syndrome 2 (RTPS2). Identifiers: Orphanet 231108, Orphanet 69077, MedGen C2750074, MONDO:0013224, OMIM 613325.

Allele frequency attached by ClinVar (database versions not stated): gnomAD exomes below 0.00001.
gnomAD v4.1: 2 of 1,583,060 alleles (0.00013%); highest among the groups gnomAD compares: Non-Finnish European, 0.00017%; no homozygotes.

Submissions (3):

Ambry Genetics
Classification: Uncertain significance for Hereditary cancer-predisposing syndrome. Last evaluated: 2024-04-24. Review status: criteria provided, single submitter. Criteria: Ambry Variant Classification Scheme 2023. Collection method: clinical testing. Allele origin: germline.
Comment: The p.E1326D variant (also known as c.3978G>C), located in coding exon 28 of the SMARCA4 gene, results from a G to C substitution at nucleotide position 3978. The glutamic acid at codon 1326 is replaced by aspartic acid, an amino acid with highly similar properties. This amino acid position is highly conserved in available vertebrate species. In addition, the in silico prediction for this alteration is inconclusive. Missense and in-frame variants in SMARCA4 are known to cause neurodevelopmental disorders; however, such associations with rhabdoid tumor predisposition syndrome including small cell carcinoma of the ovary-hypercalcemic type (SCCOHT) are exceedingly rare (Kosho T et al. Am J Med Genet C Semin Med Genet. 2014 Sep;166C(3):262-75; Jelinic P et al. Nat Genet. 2014 May;46(5):424-6). Based on the supporting evidence, the association of this alteration with Coffin-Siris syndrome is unknown; however, the association of this alteration with rhabdoid tumor predisposition syndrome is unlikely.

Labcorp Genetics (formerly Invitae), Labcorp
Classification: Uncertain significance for Rhabdoid tumor predisposition syndrome 2. Last evaluated: 2023-10-23. Review status: criteria provided, single submitter. Criteria: Invitae Variant Classification Sherloc (09022015). Collection method: clinical testing. Allele origin: germline.
Comment: This sequence change replaces glutamic acid, which is acidic and polar, with aspartic acid, which is acidic and polar, at codon 1326 of the SMARCA4 protein (p.Glu1326Asp). This variant is not present in population databases (gnomAD no frequency). This variant has not been reported in the literature in individuals affected with SMARCA4-related conditions. ClinVar contains an entry for this variant (Variation ID: 408665). Advanced modeling of protein sequence and biophysical properties (such as structural, functional, and spatial information, amino acid conservation, physicochemical variation, residue mobility, and thermodynamic stability) performed at Invitae indicates that this missense variant is not expected to disrupt SMARCA4 protein function. In summary, the available evidence is currently insufficient to determine the role of this variant in disease. Therefore, it has been classified as a Variant of Uncertain Significance.

PreventionGenetics, part of Exact Sciences
Classification: Uncertain significance for SMARCA4-related condition. Last evaluated: 2022-08-31. Review status: criteria provided, single submitter. Criteria: ACMG Guidelines, 2015. Collection method: clinical testing. Allele origin: germline.
Comment: The SMARCA4 c.3978G>C variant is predicted to result in the amino acid substitution p.Glu1326Asp. To our knowledge, this variant has not been reported in the literature or in a large population database, indicating this variant is rare. At this time, the clinical significance of this variant is uncertain due to the absence of conclusive functional and genetic evidence.

NM_003072.5(SMARCA4):c.3978G>C (p.Glu1326Asp)

Gene: SMARCA4 (SWI/SNF related BAF chromatin remodeling complex subunit ATPase 4; plus strand). Cytogenetic location: 19p13.2.
Variant type: single nucleotide variant.
Coding change: c.3978G>C on transcript NM_003072.5 (MANE Select); coding-DNA position 3978, G replaced by C.
Protein change: p.Glu1326Asp; replaces glutamic acid 1326 with aspartic acid.
Molecular consequence: missense variant. On other transcripts: non-coding transcript variant (1).
Genome position (GRCh38, 1-based): chr19:11,034,940, G>C. VCF-style: chr19-11034940-G-C. GRCh37 (hg19) VCF-style: chr19-11145616-G-C.
Other names: c.3978G>C, p.Glu1326Asp (NM_001128844.3, NM_001128849.3, NM_001387283.1); c.3879G>C, p.Glu1293Asp (NM_001128845.2, NM_001128846.2, NM_001128847.4 and 2 more transcripts); short protein forms E1326D, E1293D.
Identifiers: ClinVar variation 408665 (VCV000408665.15), dbSNP rs1060502090, ClinGen allele CA16616171.
Genomic context (GRCh38, chr19:11,034,940, plus strand): 5'-CTGATGCCTCTCCCGTTGCCTCCCTGCCCACCAGCGCATGGACCTGGACCGCAGGCGCGA[G>C]GAGGCCCGCAACCCCAAGCGGAAGCCGCGCCTCATGGAGGAGGACGAGCTCCCCTCGTGG-3'
Protein context (NP_003063.2, residues 1316-1336): FMRMDLDRRR[Glu1326Asp]EARNPKRKPR